The following is an entry in ClinVar:

ClinVar aggregate classification (germline): Uncertain significance (1 of 4 stars; one submission).

Conditions:
Idiopathic generalized epilepsy. Also called: EIG; Generalised epilepsy. Identifiers: MedGen C0270850, MONDO:0005579, OMIM 600669.
Hyperaldosteronism, familial, type IV (HALD4). Also called: FH IV; ALDOSTERONISM, PRIMARY, AND HYPERTENSION. Identifiers: Orphanet 642671, MedGen C4310756, MONDO:0014875, OMIM 617027.

Submission:

Labcorp Genetics (formerly Invitae), Labcorp
Classification: Uncertain significance for Idiopathic generalized epilepsy; Hyperaldosteronism, familial, type IV. Last evaluated: 2022-09-24. Review status: criteria provided, single submitter. Criteria: Invitae Variant Classification Sherloc (09022015). Collection method: clinical testing. Allele origin: germline.
Comment: In summary, the available evidence is currently insufficient to determine the role of this variant in disease. Therefore, it has been classified as a Variant of Uncertain Significance. Advanced modeling of protein sequence and biophysical properties (such as structural, functional, and spatial information, amino acid conservation, physicochemical variation, residue mobility, and thermodynamic stability) performed at Invitae indicates that this missense variant is not expected to disrupt CACNA1H protein function. This variant has not been reported in the literature in individuals affected with CACNA1H-related conditions. This variant is not present in population databases (gnomAD no frequency). This sequence change replaces aspartic acid, which is acidic and polar, with glutamic acid, which is acidic and polar, at codon 733 of the CACNA1H protein (p.Asp733Glu).

NM_021098.3(CACNA1H):c.2199C>A (p.Asp733Glu)

Gene: CACNA1H (calcium voltage-gated channel subunit alpha1 H; plus strand). Cytogenetic location: 16p13.3.
Variant type: single nucleotide variant.
Coding change: c.2199C>A on transcript NM_021098.3 (MANE Select); coding-DNA position 2199, C replaced by A.
Protein change: p.Asp733Glu; replaces aspartic acid 733 with glutamic acid.
Molecular consequence: missense variant.
Genome position (GRCh38, 1-based): chr16:1,204,206, C>A. VCF-style: chr16-1204206-C-A. GRCh37 (hg19) VCF-style: chr16-1254206-C-A.
Other names: c.2199C>A, p.Asp733Glu (NM_001005407.2); short protein forms D733E.
Identifiers: ClinVar variation 2051880 (VCV002051880.4), dbSNP rs536342720, ClinGen allele CA394165957.